The following is an entry in ClinVar:

ClinVar aggregate classification (germline): Uncertain significance. Review status: criteria provided, multiple submitters, no conflicts (2 of 4 stars). 2 submissions from 2 submitters: Uncertain significance (2). Last evaluated 2023-03-20.

Conditions:
Hypertrophic cardiomyopathy 1 (CMH1). Also called: Familial hypertrophic cardiomyopathy 1; MYH7-Related Familial Hypertrophic Cardiomyopathy. Identifiers: MedGen C3495498, MONDO:0008647, OMIM 192600.
Atrial septal defect 3 (ASD3). Identifiers: Orphanet 1478, MedGen C3279790, MONDO:0013567, OMIM 614089.
Sick sinus syndrome 3, susceptibility to (SSS3). Identifiers: Orphanet 166282, MedGen C3279791, MONDO:0013568, OMIM 614090.
Dilated cardiomyopathy 1EE (CMD1EE). Identifiers: Orphanet 154, MedGen C2750466, MONDO:0013198, OMIM 613252.
Hypertrophic cardiomyopathy 14. Identifiers: MedGen C2750467, MONDO:0013197, OMIM 613251.

Allele frequency attached by ClinVar (database versions not stated): gnomAD exomes 0.00001; ExAC 0.00002.
gnomAD v4.1: 7 of 1,613,466 alleles (0.00043%); highest among the groups gnomAD compares: Non-Finnish European, 0.00059%; no homozygotes.

Submissions (2):

Labcorp Genetics (formerly Invitae), Labcorp
Classification: Uncertain significance for Hypertrophic cardiomyopathy 14. Last evaluated: 2023-03-20. Review status: criteria provided, single submitter. Criteria: Invitae Variant Classification Sherloc (09022015). Collection method: clinical testing. Allele origin: germline.
Comment: In summary, the available evidence is currently insufficient to determine the role of this variant in disease. Therefore, it has been classified as a Variant of Uncertain Significance. Advanced modeling of protein sequence and biophysical properties (such as structural, functional, and spatial information, amino acid conservation, physicochemical variation, residue mobility, and thermodynamic stability) performed at Invitae indicates that this missense variant is expected to disrupt MYH6 protein function. ClinVar contains an entry for this variant (Variation ID: 180427). This variant has not been reported in the literature in individuals affected with MYH6-related conditions. This variant is present in population databases (rs730880151, gnomAD 0.003%). This sequence change replaces lysine, which is basic and polar, with asparagine, which is neutral and polar, at codon 1571 of the MYH6 protein (p.Lys1571Asn).

Fulgent Genetics
Classification: Uncertain significance for Hypertrophic cardiomyopathy 1; Hypertrophic cardiomyopathy 14; Dilated cardiomyopathy 1EE; Atrial septal defect 3; Sick sinus syndrome 3, susceptibility to. Last evaluated: 2021-08-19. Review status: criteria provided, single submitter. Criteria: ACMG Guidelines, 2015. Collection method: clinical testing. Allele origin: unknown.

NM_002471.4(MYH6):c.4713G>T (p.Lys1571Asn)

Genes: MYH6 (myosin heavy chain 6; minus strand), LOC126861896 (BRD4-independent group 4 enhancer GRCh37_chr14:23854904-23856103; plus strand). Cytogenetic location: 14q11.2.
Variant type: single nucleotide variant.
Coding change: c.4713G>T on transcript NM_002471.4 (MANE Select); coding-DNA position 4713, G replaced by T.
Protein change: p.Lys1571Asn; replaces lysine 1571 with asparagine.
Molecular consequence: missense variant.
Genome position (GRCh38, 1-based): chr14:23,386,561, C>A on the plus strand (G>T on the coding strand, the complement: MYH6 is on the minus strand). VCF-style: chr14-23386561-C-A. GRCh37 (hg19) VCF-style: chr14-23855770-C-A.
Other names: short protein forms K1571N.
Identifiers: ClinVar variation 180427 (VCV000180427.5), dbSNP rs730880151, ClinGen allele CA346492.